The following is an entry in ClinVar:

ClinVar aggregate classification (germline): Benign/Likely benign. Review status: criteria provided, multiple submitters, no conflicts (2 of 4 stars). 3 submissions from 3 submitters: Benign (1); Likely benign (2). Last evaluated 2025-05-01.

Conditions:
Hereditary nonpolyposis colorectal neoplasms. Identifiers: MedGen C0009405, MeSH D003123.
Lynch syndrome 4 (LYNCH4). Also called: Colorectal cancer, hereditary nonpolyposis, type 4; Hereditary non-polyposis colorectal cancer, type 4. Identifiers: Orphanet 144, MedGen C1838333, MONDO:0013699, OMIM 614337. Disease mechanism: loss of function.
Hereditary cancer-predisposing syndrome. Also called: Neoplastic Syndromes, Hereditary; Tumor predisposition; Hereditary Cancer Syndrome; Hereditary neoplastic syndrome. Identifiers: Orphanet 140162, MedGen C0027672, MeSH D009386, MONDO:0015356.

Submissions (3):

Labcorp Genetics (formerly Invitae), Labcorp
Classification: Likely benign for Hereditary nonpolyposis colorectal neoplasms. Last evaluated: 2025-05-01. Review status: criteria provided, single submitter. Criteria: Invitae Variant Classification Sherloc (09022015). Collection method: clinical testing. Allele origin: germline.

Myriad Genetics, Inc.
Classification: Benign for Lynch syndrome 4. Last evaluated: 2025-02-04. Review status: criteria provided, single submitter. Criteria: Myriad Autosomal Dominant, Autosomal Recessive and X-Linked Classification Criteria (2023). Collection method: clinical testing. Allele origin: unknown.
Comment: This variant is considered benign. This variant is a silent/synonymous amino acid change and it is not expected to impact splicing.

Ambry Genetics
Classification: Likely benign for Hereditary cancer-predisposing syndrome. Last evaluated: 2015-07-02. Review status: criteria provided, single submitter. Criteria: Ambry Variant Classification Scheme 2023. Collection method: clinical testing. Allele origin: germline.

NM_000535.7(PMS2):c.2547C>G (p.Thr849=)

Gene: PMS2 (PMS1 homolog 2, mismatch repair system component; minus strand). Cytogenetic location: 7p22.1.
Variant type: single nucleotide variant.
Coding change: c.2547C>G on transcript NM_000535.7 (MANE Select); coding-DNA position 2547, C replaced by G.
Protein change: p.Thr849=; no amino-acid change (threonine 849 retained).
Molecular consequence: synonymous variant. On other transcripts: non-coding transcript variant (1).
Genome position (GRCh38, 1-based): chr7:5,973,441, G>C on the plus strand (C>G on the coding strand, the complement: PMS2 is on the minus strand). VCF-style: chr7-5973441-G-C. GRCh37 (hg19) VCF-style: chr7-6013072-G-C.
Other names: c.2142C>G, p.Thr714= (NM_001322003.2, NM_001322004.2, NM_001322005.2); c.2391C>G, p.Thr797= (NM_001322006.2); c.2229C>G, p.Thr743= (NM_001322007.2, NM_001322008.2); c.2175C>G, p.Thr725= (NM_001322009.2); c.1986C>G, p.Thr662= (NM_001322010.2); c.1614C>G, p.Thr538= (NM_001322011.2, NM_001322012.2); c.1974C>G, p.Thr658= (NM_001322013.2); c.2580C>G, p.Thr860= (NM_001322014.2); and 1 more.
Identifiers: ClinVar variation 232918 (VCV000232918.16), dbSNP rs876660072, ClinGen allele CA10578634.